The following is an entry in ClinVar:

ClinVar aggregate classification (germline): Uncertain significance (1 of 4 stars; one submission).

Submission:

GeneDx
Classification: Uncertain significance. Last evaluated: 2023-10-18. Review status: criteria provided, single submitter. Criteria: GeneDx Variant Classification Process June 2021. Collection method: clinical testing. Allele origin: germline. Affected: yes.
Comment: Not observed at significant frequency in large population cohorts (gnomAD); In silico analysis supports that this missense variant has a deleterious effect on protein structure/function; Has not been previously published as pathogenic or benign to our knowledge

NM_012330.4(KAT6B):c.5417G>A (p.Gly1806Glu)

Gene: KAT6B (lysine acetyltransferase 6B; plus strand). Cytogenetic location: 10q22.2.
Variant type: single nucleotide variant.
Coding change: c.5417G>A on transcript NM_012330.4 (MANE Select); coding-DNA position 5417, G replaced by A.
Protein change: p.Gly1806Glu; replaces glycine 1806 with glutamic acid.
Molecular consequence: missense variant.
Genome position (GRCh38, 1-based): chr10:75,030,241, G>A. VCF-style: chr10-75030241-G-A. GRCh37 (hg19) VCF-style: chr10-76789999-G-A.
Other names: c.4868G>A, p.Gly1623Glu (NM_001256468.2, NM_001370138.1); c.4541G>A, p.Gly1514Glu (NM_001256469.2, NM_001370139.1, NM_001370140.1 and 2 more transcripts); c.4379G>A, p.Gly1460Glu (NM_001370132.1); c.3728G>A, p.Gly1243Glu (NM_001370133.1); c.3332G>A, p.Gly1111Glu (NM_001370134.1); c.3074G>A, p.Gly1025Glu (NM_001370135.1); c.5417G>A, p.Gly1806Glu (NM_001370136.1, NM_001370137.1); c.4352G>A, p.Gly1451Glu (NM_001370143.1, NM_001370144.1); short protein forms G1025E, G1111E, G1243E, G1451E, G1460E, G1514E, G1623E, G1806E.
Identifiers: ClinVar variation 3366259 (VCV003366259.1).